The following is an entry in ClinVar:

ClinVar aggregate classification (germline): Benign. Review status: criteria provided, multiple submitters, no conflicts (2 of 4 stars). 5 submissions from 5 submitters: Benign (4). 1 of the submissions does not count toward it. Last evaluated 2025-12-16.

Conditions:
ARID1A-related disorder. Also called: ARID1A-related condition.
Intellectual disability, autosomal dominant 14 (CSS2). Also called: COFFIN-SIRIS SYNDROME 2. Identifiers: Orphanet 1465, MedGen C3553247, MONDO:0013819, OMIM 614607.

Allele frequency attached by ClinVar (database versions not stated): ExAC 0.00039; 1000 Genomes Project 0.00040; 1000 Genomes Project 30x 0.00047; gnomAD 0.00050 and 0.00055; gnomAD exomes 0.00053; TOPMed 0.00065; ESP Exome Variant Server 0.00085.
gnomAD v4.1: 269 of 1,613,896 alleles (0.017%); highest among the groups gnomAD compares: Admixed American, 0.16%; no homozygotes.

Submissions (5):

Labcorp Genetics (formerly Invitae), Labcorp
Classification: Benign. Last evaluated: 2025-12-16. Review status: criteria provided, single submitter. Criteria: Invitae Variant Classification Sherloc (09022015). Collection method: clinical testing. Allele origin: germline.

Genome-Nilou Lab
Classification: Benign for Intellectual disability, autosomal dominant 14. Last evaluated: 2021-12-05. Review status: criteria provided, single submitter. Criteria: ACMG Guidelines, 2015. Collection method: clinical testing. Allele origin: germline. Affected: no.

GeneDx
Classification: Benign. Last evaluated: 2020-11-23. Review status: criteria provided, single submitter. Criteria: GeneDx Variant Classification Process June 2021. Collection method: clinical testing. Allele origin: germline. Affected: yes.

Breakthrough Genomics
Classification: Benign. Review status: criteria provided, single submitter. Criteria: ACMG Guidelines, 2015. Collection method: not provided. Allele origin: germline. Inheritance: Autosomal dominant inheritance. Affected: yes.

PreventionGenetics, part of Exact Sciences
Classification: Likely benign for ARID1A-related condition. Last evaluated: 2019-12-06. Review status: no assertion criteria provided. Collection method: clinical testing. Allele origin: germline. Not counted in ClinVar's aggregate classification.
Comment: This variant is classified as likely benign based on ACMG/AMP sequence variant interpretation guidelines (Richards et al. 2015 PMID: 25741868, with internal and published modifications).

NM_006015.6(ARID1A):c.1716G>A (p.Thr572=)

Gene: ARID1A (AT-rich interaction domain 1A; plus strand). Cytogenetic location: 1p36.11.
Variant type: single nucleotide variant.
Coding change: c.1716G>A on transcript NM_006015.6 (MANE Select); coding-DNA position 1716, G replaced by A.
Protein change: p.Thr572=; no amino-acid change (threonine 572 retained).
Molecular consequence: synonymous variant.
Genome position (GRCh38, 1-based): chr1:26,731,517, G>A. VCF-style: chr1-26731517-G-A. GRCh37 (hg19) VCF-style: chr1-27058008-G-A.
Other names: c.1716G>A, p.Thr572= (NM_139135.4).
Identifiers: ClinVar variation 1286796 (VCV001286796.13), dbSNP rs147554664, ClinGen allele CA706829.